The following is an entry in ClinVar:

NM_001903.5(CTNNA1):c.2615G>A (p.Arg872Lys)

Gene: CTNNA1 (catenin alpha 1; plus strand). Cytogenetic location: 5q31.2.
Variant type: single nucleotide variant.
Coding change: c.2615G>A on transcript NM_001903.5 (MANE Select); coding-DNA position 2615, G replaced by A.
Protein change: p.Arg872Lys; replaces arginine 872 with lysine.
Molecular consequence: missense variant. On other transcripts: 3 prime UTR variant (5).
Genome position (GRCh38, 1-based): chr5:138,933,983, G>A. VCF-style: chr5-138933983-G-A. GRCh37 (hg19) VCF-style: chr5-138269672-G-A.
Other names: c.2615G>A (NM_001903.2); c.1505G>A, p.Arg502Lys (NM_001323997.1, NM_001323998.1, NM_001323999.1 and 12 more transcripts); c.1370G>A, p.Arg457Lys (NM_001324001.1); c.*160G>A (NM_001324002.1, NM_001324003.1, NM_001324004.1 and 2 more transcripts); c.1166G>A, p.Arg389Lys (NM_001324006.1, NM_001324007.1, NM_001324008.1 and 2 more transcripts); c.1412G>A, p.Arg471Lys (NM_001324011.1); c.1262G>A, p.Arg421Lys (NM_001324012.1, NM_001324013.1); c.2306G>A, p.Arg769Lys (NM_001290309.3); and 4 more; short protein forms R421K, R749K, R841K, R457K, R502K, R769K, R389K, R863K.
Identifiers: ClinVar variation 1947373 (VCV001947373.6), dbSNP rs2533954487, ClinGen allele CA361135608.

ClinVar aggregate classification (germline): Uncertain significance. Review status: criteria provided, multiple submitters, no conflicts (2 of 4 stars). 2 submissions from 2 submitters: Uncertain significance (2). Last evaluated 2025-06-08.

Conditions:
Hereditary cancer-predisposing syndrome. Also called: Tumor predisposition; Hereditary neoplastic syndrome; Neoplastic Syndromes, Hereditary; Hereditary Cancer Syndrome. Identifiers: Orphanet 140162, MedGen C0027672, MeSH D009386, MONDO:0015356.

Allele frequency attached by ClinVar (database versions not stated): gnomAD exomes below 0.00001.
gnomAD v4.1: 1 of 1,614,162 alleles (0.000062%); highest among the groups gnomAD compares: Non-Finnish European, 0.000085%; no homozygotes.

Submissions (2):

Ambry Genetics
Classification: Uncertain significance for Hereditary cancer-predisposing syndrome. Last evaluated: 2025-06-08. Review status: criteria provided, single submitter. Criteria: Ambry Variant Classification Scheme 2023. Collection method: clinical testing. Allele origin: germline.
Comment: The p.R872K variant (also known as c.2615G>A), located in coding exon 17 of the CTNNA1 gene, results from a G to A substitution at nucleotide position 2615. The arginine at codon 872 is replaced by lysine, an amino acid with highly similar properties. This amino acid position is conserved. In addition, this alteration is predicted to be tolerated by in silico analysis. Based on the available evidence, the clinical significance of this variant remains unclear.

Labcorp Genetics (formerly Invitae), Labcorp
Classification: Uncertain significance. Last evaluated: 2022-03-17. Review status: criteria provided, single submitter. Criteria: Invitae Variant Classification Sherloc (09022015). Collection method: clinical testing. Allele origin: germline.
Comment: This variant is not present in population databases (gnomAD no frequency). In summary, the available evidence is currently insufficient to determine the role of this variant in disease. Therefore, it has been classified as a Variant of Uncertain Significance. Algorithms developed to predict the effect of missense changes on protein structure and function are either unavailable or do not agree on the potential impact of this missense change (SIFT: "Deleterious"; PolyPhen-2: "Benign"; Align-GVGD: "Class C0"). This variant has not been reported in the literature in individuals affected with CTNNA1-related conditions. This sequence change replaces arginine, which is basic and polar, with lysine, which is basic and polar, at codon 872 of the CTNNA1 protein (p.Arg872Lys).